The following is an entry in ClinVar:

NM_004260.4(RECQL4):c.2849del (p.Pro950fs)

Gene: RECQL4 (RecQ like helicase 4; minus strand). Cytogenetic location: 8q24.3.
Variant type: Deletion.
Coding change: c.2849del on transcript NM_004260.4 (MANE Select); coding-DNA position 2849, one base deleted (C; older notation c.2849delC).
Protein change: p.Pro950fs; shifts the reading frame from proline 950.
Molecular consequence: frameshift variant.
Genome position (GRCh38, 1-based): chr8:144,512,678, G deleted on the plus strand (C on the coding strand, the reverse complement: RECQL4 is on the minus strand); the first of 3 consecutive G bases (chr8:144,512,678-144,512,680); deleting any one gives the same sequence. VCF-style (leftmost placement, unchanged base first): chr8-144512677-AG-A. GRCh37 (hg19) VCF-style: chr8-145738060-AG-A.
Other names: c.2553delC, p.Pro852Leufs (NM_001413017.1); c.2649delC, p.Pro884Leufs (NM_001413018.1); c.2922delC, p.Pro975Leufs (NM_001413019.1); c.2751delC, p.Pro918Leufs (NM_001413020.1); c.1776delC, p.Pro593Leufs (NM_001413021.1, NM_001413022.1, NM_001413024.1 and 4 more transcripts); c.1851delC, p.Pro618Leufs (NM_001413023.1); c.2718delC, p.Pro907Leufs (NM_001413025.1); c.1710delC, p.Pro571Leufs (NM_001413027.1, NM_001413030.1, NM_001413032.1); and 9 more; short protein forms P950fs.
Identifiers: ClinVar variation 2015369 (VCV002015369.4), dbSNP rs2537991132, ClinGen allele CA2580078830.

ClinVar aggregate classification (germline): Pathogenic (1 of 4 stars; one submission).

Conditions:
Baller-Gerold syndrome (BGS). Also called: CRANIOSYNOSTOSIS WITH RADIAL DEFECTS. Identifiers: Orphanet 1225, MedGen C0265308, MONDO:0009039, OMIM 218600.

Submission:

Labcorp Genetics (formerly Invitae), Labcorp
Classification: Pathogenic for Baller-Gerold syndrome. Last evaluated: 2025-10-23. Review status: criteria provided, single submitter. Criteria: Invitae Variant Classification Sherloc (09022015). Collection method: clinical testing. Allele origin: germline.
Comment: This sequence change creates a premature translational stop signal (p.Pro950Leufs*94) in the RECQL4 gene. It is expected to result in an absent or disrupted protein product. Loss-of-function variants in RECQL4 are known to be pathogenic (PMID: 12734318, 12952869). This variant is not present in population databases (gnomAD no frequency). This variant has not been reported in the literature in individuals affected with RECQL4-related conditions. ClinVar contains an entry for this variant (Variation ID: 2015369). For these reasons, this variant has been classified as Pathogenic.

Literature cited by the submitters: PubMed 12734318; PubMed 12952869.